The following is an entry in ClinVar:

NM_000038.6(APC):c.2761G>A (p.Ala921Thr)

Gene: APC (APC regulator of Wnt signaling pathway; plus strand). Cytogenetic location: 5q22.2.
Variant type: single nucleotide variant.
Coding change: c.2761G>A on transcript NM_000038.6 (MANE Select); coding-DNA position 2761, G replaced by A.
Protein change: p.Ala921Thr; replaces alanine 921 with threonine.
Molecular consequence: missense variant. On other transcripts: non-coding transcript variant (2).
Genome position (GRCh38, 1-based): chr5:112,838,355, G>A. VCF-style: chr5-112838355-G-A. GRCh37 (hg19) VCF-style: chr5-112174052-G-A.
Other names: c.2761G>A, p.Ala921Thr (NM_001127510.3, NM_001354895.2, NM_001407450.1); c.2707G>A, p.Ala903Thr (NM_001127511.3); c.2815G>A, p.Ala939Thr (NM_001354896.2, NM_001407447.1, NM_001407448.1 and 1 more transcripts); c.2791G>A, p.Ala931Thr (NM_001354897.2); c.2686G>A, p.Ala896Thr (NM_001354898.2); c.2677G>A, p.Ala893Thr (NM_001354899.2); c.2638G>A, p.Ala880Thr (NM_001354900.2); c.2584G>A, p.Ala862Thr (NM_001354901.2, NM_001407453.1); and 11 more; short protein forms A795T, A838T, A939T, A949T, A792T, A862T, A880T, A893T.
Identifiers: ClinVar variation 2562362 (VCV002562362.3), dbSNP rs2149876853, ClinGen allele CA16027356.

ClinVar aggregate classification (germline): Uncertain significance. Review status: criteria provided, multiple submitters, no conflicts (2 of 4 stars). 2 submissions from 2 submitters: Uncertain significance (2). Last evaluated 2025-09-04.

Conditions:
Hereditary cancer-predisposing syndrome. Also called: Neoplastic Syndromes, Hereditary; Hereditary Cancer Syndrome; Hereditary neoplastic syndrome; Tumor predisposition. Identifiers: Orphanet 140162, MedGen C0027672, MeSH D009386, MONDO:0015356.
Familial adenomatous polyposis 1 (FAP1). Also called: POLYPOSIS, ADENOMATOUS INTESTINAL; FAMILIAL ADENOMATOUS POLYPOSIS 1, ATTENUATED. Identifiers: MedGen C2713442, MONDO:0021056, OMIM 175100. Disease mechanism: loss of function.

Submissions (2):

Labcorp Genetics (formerly Invitae), Labcorp
Classification: Uncertain significance for Familial adenomatous polyposis 1. Last evaluated: 2025-09-04. Review status: criteria provided, single submitter. Criteria: Invitae Variant Classification Sherloc (09022015). Collection method: clinical testing. Allele origin: germline.
Comment: This sequence change replaces alanine, which is neutral and non-polar, with threonine, which is neutral and polar, at codon 921 of the APC protein (p.Ala921Thr). This variant is not present in population databases (gnomAD no frequency). This variant has not been reported in the literature in individuals affected with APC-related conditions. ClinVar contains an entry for this variant (Variation ID: 2562362). Invitae Evidence Modeling of protein sequence and biophysical properties (such as structural, functional, and spatial information, amino acid conservation, physicochemical variation, residue mobility, and thermodynamic stability) indicates that this missense variant is not expected to disrupt APC protein function with a negative predictive value of 95%. In summary, the available evidence is currently insufficient to determine the role of this variant in disease. Therefore, it has been classified as a Variant of Uncertain Significance.

Ambry Genetics
Classification: Uncertain significance for Hereditary cancer-predisposing syndrome. Last evaluated: 2023-06-09. Review status: criteria provided, single submitter. Criteria: Ambry Variant Classification Scheme 2023. Collection method: clinical testing. Allele origin: germline.
Comment: The p.A921T variant (also known as c.2761G>A), located in coding exon 15 of the APC gene, results from a G to A substitution at nucleotide position 2761. The alanine at codon 921 is replaced by threonine, an amino acid with similar properties. This amino acid position is conserved. In addition, in silico predictors for this gene do not accurately predict pathogenicity. Since supporting evidence is limited at this time, the clinical significance of this alteration remains unclear.